The following is an entry in ClinVar:

NM_005045.4(RELN):c.5069A>G (p.Asn1690Ser)

Gene: RELN (reelin; minus strand). Cytogenetic location: 7q22.1.
Variant type: single nucleotide variant.
Coding change: c.5069A>G on transcript NM_005045.4 (MANE Select); coding-DNA position 5069, A replaced by G.
Protein change: p.Asn1690Ser; replaces asparagine 1690 with serine.
Molecular consequence: missense variant.
Genome position (GRCh38, 1-based): chr7:103,565,419, T>C on the plus strand (A>G on the coding strand, the complement: RELN is on the minus strand). VCF-style: chr7-103565419-T-C. GRCh37 (hg19) VCF-style: chr7-103205866-T-C.
Other names: c.5069A>G, p.Asn1690Ser (NM_173054.3); short protein forms N1690S.
Identifiers: ClinVar variation 2435395 (VCV002435395.6), dbSNP rs1830728121, ClinGen allele CA368746196.
Genomic context (GRCh38, chr7:103,565,419, plus strand): 5'-TGCAGACAGCCAATGGTTGGAGGAACACACTCTTCGGTGACAAGATGCCAGTCCTTGCCA[T>C]TGTTCAGAGAATACTGGAGCTGTACACTGTGGGAGTTGCTGAAGGGCTTGCTACAGCCCA-3'
Protein context (NP_005036.2, residues 1680-1700): HSVQLQYSLN[Asn1690Ser]GKDWHLVTEE

ClinVar aggregate classification (germline): Uncertain significance. Review status: criteria provided, multiple submitters, no conflicts (2 of 4 stars). 2 submissions from 2 submitters: Uncertain significance (2). Last evaluated 2025-07-08.

Conditions:
Norman-Roberts syndrome (LIS2). Also called: Lissencephaly 2 (Norman-Roberts type). Identifiers: Orphanet 89844, MedGen C0796089, MONDO:0009760, OMIM 257320.
Familial temporal lobe epilepsy 7. Identifiers: Orphanet 101046, MedGen C4225327, MONDO:0014639, OMIM 616436.

Allele frequency attached by ClinVar (database versions not stated): TOPMed below 0.00001.

Submissions (2):

Labcorp Genetics (formerly Invitae), Labcorp
Classification: Uncertain significance for Familial temporal lobe epilepsy 7; Norman-Roberts syndrome. Last evaluated: 2025-07-08. Review status: criteria provided, single submitter. Criteria: Invitae Variant Classification Sherloc (09022015). Collection method: clinical testing. Allele origin: germline.
Comment: This sequence change replaces asparagine, which is neutral and polar, with serine, which is neutral and polar, at codon 1690 of the RELN protein (p.Asn1690Ser). This variant is not present in population databases (gnomAD no frequency). This variant has not been reported in the literature in individuals affected with RELN-related conditions. ClinVar contains an entry for this variant (Variation ID: 2435395). Invitae Evidence Modeling of protein sequence and biophysical properties (such as structural, functional, and spatial information, amino acid conservation, physicochemical variation, residue mobility, and thermodynamic stability) indicates that this missense variant is not expected to disrupt RELN protein function with a negative predictive value of 80%. In summary, the available evidence is currently insufficient to determine the role of this variant in disease. Therefore, it has been classified as a Variant of Uncertain Significance.

Revvity Omics, Revvity
Classification: Uncertain significance for Norman-Roberts syndrome. Last evaluated: 2019-02-11. Review status: criteria provided, single submitter. Criteria: ACMG Guidelines, 2015. Collection method: clinical testing. Allele origin: germline.